The following is an entry in ClinVar:

NM_007279.3(U2AF2):c.434C>T (p.Thr145Ile)

Gene: U2AF2 (U2 small nuclear RNA auxiliary factor 2; plus strand). Cytogenetic location: 19q13.42.
Variant type: single nucleotide variant.
Coding change: c.434C>T on transcript NM_007279.3 (MANE Select); coding-DNA position 434, C replaced by T.
Protein change: p.Thr145Ile; replaces threonine 145 with isoleucine.
Molecular consequence: missense variant.
Genome position (GRCh38, 1-based): chr19:55,661,137, C>T. VCF-style: chr19-55661137-C-T. GRCh37 (hg19) VCF-style: chr19-56172503-C-T.
Other names: c.434C>T, p.Thr145Ile (NM_001012478.2); short protein forms T145I.
Identifiers: ClinVar variation 4856173 (VCV004856173.1).
Genomic context (GRCh38, chr19:55,661,137, plus strand): 5'-TGACCCCTGACGGTCTGGCTGTGACCCCAACGCCGGTGCCCGTGGTCGGGAGCCAGATGA[C>T]CAGACAAGCCCGGCGCCTCTACGTGGGCAACATCCCCTTTGGCATCACTGAGGTACTGCC-3'
Protein context (NP_009210.1, residues 135-155): TPVPVVGSQM[Thr145Ile]RQARRLYVGN

ClinVar aggregate classification (germline): Likely pathogenic (1 of 4 stars; one submission).

Conditions:
Developmental delay, dysmorphic facies, and brain anomalies. Identifiers: MedGen C5882698, MONDO:0957810, OMIM 620535.

Submission:

3billion
Classification: Likely pathogenic for Developmental delay, dysmorphic facies, and brain anomalies. Last evaluated: 2025-11-10. Review status: criteria provided, single submitter. Criteria: ACMG Guidelines, 2015. Collection method: clinical testing. Allele origin: germline. Affected: yes.
Comment: The variant is not observed in the gnomAD v4.1.0 dataset. Predicted Consequence/Location: Missense variant. Missense changes are a common disease-causing mechanism. In silico tool predictions suggest damaging effect of the variant on gene or gene product [3Cnet: 0.98 (> 0.75, sensitivity 0.96 and precision 0.92)]. The same nucleotide change resulting in the same amino acid change has been previously reported to be associated with U2AF2-related disorder (PMID: 37962958). The variant has been previously reported as de novo in a similarly affected individual (PMID: 37962958). Therefore, this variant is classified as Likely pathogenic according to the recommendation of ACMG/AMP guideline.

Literature cited by the submitters: PubMed 37962958.